The following is an entry in ClinVar:

NM_001852.4(COL9A2):c.195G>A (p.Lys65=)

Gene: COL9A2 (collagen type IX alpha 2 chain; minus strand). Cytogenetic location: 1p34.2.
Variant type: single nucleotide variant.
Coding change: c.195G>A on transcript NM_001852.4 (MANE Select); coding-DNA position 195, G replaced by A.
Protein change: p.Lys65=; no amino-acid change (lysine 65 retained).
Molecular consequence: synonymous variant.
Genome position (GRCh38, 1-based): chr1:40,314,259, C>T on the plus strand (G>A on the coding strand, the complement: COL9A2 is on the minus strand). VCF-style: chr1-40314259-C-T. GRCh37 (hg19) VCF-style: chr1-40779931-C-T.
Identifiers: ClinVar variation 4994194 (VCV004994194.1).

ClinVar aggregate classification (germline): Uncertain significance (1 of 4 stars; one submission).

Conditions:
COL9A2-related disorder. Also called: COL9A2-related condition.

Submission:

PreventionGenetics, part of Exact Sciences
Classification: Uncertain significance for COL9A2-related condition. Last evaluated: 2026-08-17. Review status: criteria provided, single submitter. Criteria: ACMG Guidelines, 2015. Collection method: clinical testing. Allele origin: germline.
Comment: The COL9A2 c.195G>A variant is not predicted to result in an amino acid change (p.=). Based on available splicing prediction program(s) (SpliceAI, Jaganathan et al. 2019. PubMed ID: 30661751), this variant is predicted to impact splicing; however, the use of computer prediction programs is not equivalent to functional evidence. To our knowledge, this variant has not been reported in the literature or in a large population database (gnomAD), indicating this variant is rare. At this time, the clinical significance of this variant is uncertain due to the absence of conclusive functional and genetic evidence.